The following is an entry in ClinVar:

NM_006623.4(PHGDH):c.139-13T>C

Gene: PHGDH (phosphoglycerate dehydrogenase; plus strand). Cytogenetic location: 1p12.
Variant type: single nucleotide variant.
Coding change: c.139-13T>C on transcript NM_006623.4 (MANE Select); 13 bases into the intron before coding-DNA position 139, T replaced by C.
Molecular consequence: intron variant.
Genome position (GRCh38, 1-based): chr1:119,721,157, T>C. VCF-style: chr1-119721157-T-C. GRCh37 (hg19) VCF-style: chr1-120263780-T-C.
Identifiers: ClinVar variation 292306 (VCV000292306.17), dbSNP rs894078, ClinGen allele CA1036953.

ClinVar aggregate classification (germline): Benign. Review status: criteria provided, multiple submitters, no conflicts (2 of 4 stars). 6 submissions from 5 submitters: Benign (6). Last evaluated 2026-02-03.

Conditions:
Neu-Laxova syndrome 1 (NLS1). Identifiers: Orphanet 2671, Orphanet 583607, MedGen C4551478, MONDO:0009736, OMIM 256520. Disease mechanism: loss of function.
PHGDH deficiency. Identifiers: Orphanet 79351, MedGen C1866174, MONDO:0011152, OMIM 601815.

Allele frequency attached by ClinVar (database versions not stated): gnomAD exomes 0.00164 and 0.00458; ExAC 0.00497; ESP Exome Variant Server 0.01438; gnomAD 0.01569 and 0.01680; TOPMed 0.01740; 1000 Genomes Project 0.01877; 1000 Genomes Project 30x 0.02046.
gnomAD v4.1: 4,938 of 1,613,970 alleles (0.31%); highest among the groups gnomAD compares: African/African-American, 5%; 108 homozygotes.

Submissions (6):

Labcorp Genetics (formerly Invitae), Labcorp
Classification: Benign for PHGDH deficiency. Last evaluated: 2026-02-03. Review status: criteria provided, single submitter. Criteria: Invitae Variant Classification Sherloc (09022015). Collection method: clinical testing. Allele origin: germline.

Genome-Nilou Lab
Classification: Benign for Neu-Laxova syndrome 1. Last evaluated: 2023-04-11. Review status: criteria provided, single submitter. Criteria: ACMG Guidelines, 2015. Collection method: clinical testing. Allele origin: germline. Affected: no.

Genome-Nilou Lab
Classification: Benign for PHGDH deficiency. Last evaluated: 2023-04-11. Review status: criteria provided, single submitter. Criteria: ACMG Guidelines, 2015. Collection method: clinical testing. Allele origin: germline. Affected: no.

GeneDx
Classification: Benign. Last evaluated: 2021-04-11. Review status: criteria provided, single submitter. Criteria: GeneDx Variant Classification Process June 2021. Collection method: clinical testing. Allele origin: germline. Affected: yes.

Illumina Laboratory Services, Illumina
Classification: Benign for PHGDH deficiency. Last evaluated: 2018-01-12. Review status: criteria provided, single submitter. Criteria: ICSL Variant Classification Criteria 13 December 2019. Collection method: clinical testing. Allele origin: germline.
Comment: This variant was observed in the ICSL laboratory as part of a predisposition screen in an ostensibly healthy population. It had not been previously curated by ICSL or reported in the Human Gene Mutation Database (HGMD: prior to June 1st, 2018), and was therefore a candidate for classification through an automated scoring system. Utilizing variant allele frequency, disease prevalence and penetrance estimates, and inheritance mode, an automated score was calculated to assess if this variant is too frequent to cause the disease. Based on the score and internal cut-off values, a variant classified as benign is not then subjected to further curation. The score for this variant resulted in a classification of benign for this disease.

Breakthrough Genomics
Classification: Benign. Review status: criteria provided, single submitter. Criteria: ACMG Guidelines, 2015. Collection method: not provided. Allele origin: germline. Inheritance: Autosomal recessive inheritance. Affected: yes.